The following is an entry in ClinVar:

ClinVar aggregate classification (germline): Uncertain significance (1 of 4 stars; one submission).

Conditions:
EFTUD2-related disorder. Also called: EFTUD2-related condition.

gnomAD v4.1: 1 of 1,613,956 alleles (0.000062%); highest among the groups gnomAD compares: Non-Finnish European, 0.000085%; no homozygotes.

Submission:

PreventionGenetics, part of Exact Sciences
Classification: Uncertain significance for EFTUD2-related condition. Last evaluated: 2026-09-22. Review status: criteria provided, single submitter. Criteria: ACMG Guidelines, 2015. Collection method: clinical testing. Allele origin: germline.
Comment: The EFTUD2 c.2548C>G variant is predicted to result in the amino acid substitution p.Leu850Val. To our knowledge, this variant has not been reported in the literature or in a large population database (gnomAD), indicating this variant is rare. Although we suspect that this variant may be pathogenic, at this time, the clinical significance of this variant is uncertain due to the absence of conclusive functional and genetic evidence.

NM_004247.4(EFTUD2):c.2548C>G (p.Leu850Val)

Gene: EFTUD2 (elongation factor Tu GTP binding domain containing 2; minus strand). Cytogenetic location: 17q21.31.
Variant type: single nucleotide variant.
Coding change: c.2548C>G on transcript NM_004247.4 (MANE Select); coding-DNA position 2548, C replaced by G.
Protein change: p.Leu850Val; replaces leucine 850 with valine.
Molecular consequence: missense variant.
Genome position (GRCh38, 1-based): chr17:44,853,309, G>C on the plus strand (C>G on the coding strand, the complement: EFTUD2 is on the minus strand). VCF-style: chr17-44853309-G-C. GRCh37 (hg19) VCF-style: chr17-42930677-G-C.
Other names: c.2443C>G, p.Leu815Val (NM_001142605.2); c.2548C>G, p.Leu850Val (NM_001258353.2); c.2518C>G, p.Leu840Val (NM_001258354.2); short protein forms L815V, L850V, L840V.
Identifiers: ClinVar variation 4993111 (VCV004993111.1).